The following is an entry in ClinVar:

ClinVar aggregate classification (germline): Uncertain significance (1 of 4 stars; one submission).

Conditions:
X-linked lymphoproliferative disease due to XIAP deficiency. Also called: XIAP DEFICIENCY; XIAP-Related Lymphoproliferative Disease, X-Linked. Identifiers: Orphanet 2442, Orphanet 538934, MedGen C1845076, MONDO:0010385, OMIM 300635.

Submission:

Labcorp Genetics (formerly Invitae), Labcorp
Classification: Uncertain significance for X-linked lymphoproliferative disease due to XIAP deficiency. Last evaluated: 2024-05-10. Review status: criteria provided, single submitter. Criteria: Invitae Variant Classification Sherloc (09022015). Collection method: clinical testing. Allele origin: germline.
Comment: This sequence change replaces glutamine, which is neutral and polar, with leucine, which is neutral and non-polar, at codon 440 of the XIAP protein (p.Gln440Leu). This variant is not present in population databases (gnomAD no frequency). This variant has not been reported in the literature in individuals affected with XIAP-related conditions. Advanced modeling of protein sequence and biophysical properties (such as structural, functional, and spatial information, amino acid conservation, physicochemical variation, residue mobility, and thermodynamic stability) performed at Invitae indicates that this missense variant is not expected to disrupt XIAP protein function with a negative predictive value of 80%. In summary, the available evidence is currently insufficient to determine the role of this variant in disease. Therefore, it has been classified as a Variant of Uncertain Significance.

NM_001167.4(XIAP):c.1319A>T (p.Gln440Leu)

Gene: XIAP (X-linked inhibitor of apoptosis; plus strand). Cytogenetic location: Xq25.
Variant type: single nucleotide variant.
Coding change: c.1319A>T on transcript NM_001167.4 (MANE Select); coding-DNA position 1319, A replaced by T.
Protein change: p.Gln440Leu; replaces glutamine 440 with leucine.
Molecular consequence: missense variant. On other transcripts: non-coding transcript variant (2).
Genome position (GRCh38, 1-based): chrX:123,907,006, A>T. VCF-style: chrX-123907006-A-T. GRCh37 (hg19) VCF-style: chrX-123040856-A-T.
Other names: c.1319A>T, p.Gln440Leu (NM_001204401.2, NM_001378590.1, NM_001378591.1 and 1 more transcripts); short protein forms Q440L.
Identifiers: ClinVar variation 3676527 (VCV003676527.2).